The following is an entry in ClinVar:

NM_003477.2(PDHX):c.-787G>A

Genes: APIP (APAF1 interacting protein; minus strand), PDHX (pyruvate dehydrogenase complex component X; plus strand). Cytogenetic location: 11p13.
Variant type: single nucleotide variant.
Coding change: c.-787G>A on transcript NM_003477.2; 787 bases upstream of the start codon, G replaced by A.
Molecular consequence: intron variant (on NM_015957.4).
Genome position (GRCh38, 1-based): chr11:34,915,869, G>A. VCF-style: chr11-34915869-G-A. GRCh37 (hg19) VCF-style: chr11-34937416-G-A.
Other names: c.57+359C>T (NM_015957.4).
Identifiers: ClinVar variation 683419 (VCV000683419.4), dbSNP rs3763931, ClinGen allele CA13459334.
Genomic context (GRCh38, chr11:34,915,869, plus strand): 5'-AAACGTCCCCCCAAACGCCTAACTGGTCGTCAGGGCGCAGAAAAGAAGCTTGGGGGGCGC[G>A]GTCTTCGCCCCAGCTCCACTTCGGTGCTTCACGATTCCTTCTCTGGCCTGCCTTCCTGAT-3'

ClinVar aggregate classification (germline): Benign. Review status: criteria provided, multiple submitters, no conflicts (2 of 4 stars). 2 submissions from 2 submitters: Benign (2). Last evaluated 2018-06-14.

Allele frequency attached by ClinVar (database versions not stated): gnomAD 0.19051 and 0.19612; 1000 Genomes Project 0.19249; TOPMed 0.19935; 1000 Genomes Project 30x 0.20066.
gnomAD v4.1: 50,025 of 328,206 alleles (15%); highest among the groups gnomAD compares: African/African-American, 39%; 5,524 homozygotes.

Submissions (2):

GeneDx
Classification: Benign. Last evaluated: 2018-06-14. Review status: criteria provided, single submitter. Criteria: GeneDx Variant Classification (06012015). Collection method: clinical testing. Allele origin: germline. Affected: yes.
Comment: This variant is considered likely benign or benign based on one or more of the following criteria: it is a conservative change, it occurs at a poorly conserved position in the protein, it is predicted to be benign by multiple in silico algorithms, and/or has population frequency not consistent with disease.

Breakthrough Genomics
Classification: Benign. Review status: criteria provided, single submitter. Criteria: ACMG Guidelines, 2015. Collection method: not provided. Allele origin: germline. Inheritance: Unknown mechanism. Affected: yes.